The following is an entry in ClinVar:

NM_003611.3(OFD1):c.2742A>C (p.Lys914Asn)

Gene: OFD1 (OFD1 centriole and centriolar satellite protein; plus strand). Cytogenetic location: Xp22.2.
Variant type: single nucleotide variant.
Coding change: c.2742A>C on transcript NM_003611.3 (MANE Select); coding-DNA position 2742, A replaced by C.
Protein change: p.Lys914Asn; replaces lysine 914 with asparagine.
Molecular consequence: missense variant.
Genome position (GRCh38, 1-based): chrX:13,767,269, A>C. VCF-style: chrX-13767269-A-C. GRCh37 (hg19) VCF-style: chrX-13785388-A-C.
Other names: c.2622A>C, p.Lys874Asn (NM_001330209.2); c.2322A>C, p.Lys774Asn (NM_001330210.2); c.2631A>C, p.Lys877Asn (NM_001440947.1); c.2511A>C, p.Lys837Asn (NM_001440948.1); short protein forms K774N, K837N, K874N, K877N, K914N.
Identifiers: ClinVar variation 4085662 (VCV004085662.8).

ClinVar aggregate classification (germline): Uncertain significance (1 of 4 stars; one submission).

Submission:

CeGaT Center for Human Genetics Tuebingen
Classification: Uncertain significance. Last evaluated: 2025-08-01. Review status: criteria provided, single submitter. Criteria: CeGaT Center For Human Genetics Tuebingen Variant Classification Criteria Version 2. Collection method: clinical testing. Allele origin: germline. Affected: yes. Observed: 1 variant allele.
Comment: OFD1: PM2